The following is an entry in ClinVar:

ClinVar aggregate classification (germline): Pathogenic (1 of 4 stars; one submission).

Conditions:
Angelman syndrome (AS). Also called: HAPPY PUPPET SYNDROME. Identifiers: Orphanet 72, MedGen C0162635, MONDO:0007113, OMIM 105830. Disease mechanism: loss of function. Inheritance: AS is caused by disruption of maternally imprinted UBE3A located within the 15q11.2-q13 Angelman syndrome/Prader-Willi syndrome (AS/PWS) region., imprinting disorder.

Submission:

Center for Genomics, Ann and Robert H. Lurie Children's Hospital of Chicago
Classification: Pathogenic for Angelman syndrome. Last evaluated: 2022-02-15. Review status: criteria provided, single submitter. Criteria: ACMG Guidelines, 2015. Collection method: clinical testing. Allele origin: germline.
Comment: UBE3A NM_000462.4 exon 11 p.Tyr748Serfs*19 (c.2239_2240dup): This variant has not been reported in the literature and is not present in large control databases. Evolutionary conservation and computational predictive tools for this variant are limited or unavailable. This variant is a duplication of 2 nucleotides at position 2239 and creates a frameshift and premature stop codon 19 amino acids downstream from this location which results in an absent or abnormal protein. Loss of function variants have been reported in association with disease for this gene (Sadikovic 2014 PMID:25212744). In summary, data on this variant is highly suspicious for disease, but requires further evidence for pathogenicity. Therefore, this variant is classified as likely pathogenic.

NM_130839.5(UBE3A):c.2230_2231dup (p.Tyr745fs)

Genes: SNHG14 (small nucleolar RNA host gene 14; plus strand), UBE3A (ubiquitin protein ligase E3A; minus strand). Cytogenetic location: 15q11.2.
Variant type: Duplication.
Coding change: c.2230_2231dup on transcript NM_130839.5 (MANE Select); coding-DNA positions 2230 to 2231, 2 bases duplicated (AA; older notation c.2230_2231dupAA).
Protein change: p.Tyr745fs; shifts the reading frame from tyrosine 745.
Molecular consequence: frameshift variant. On other transcripts: non-coding transcript variant (1), intron variant (3).
Genome position (GRCh38, 1-based): chr15:25,354,577-25,354,578, TT duplicated on the plus strand (AA on the coding strand, the reverse complement: UBE3A is on the minus strand); duplicating any 2 consecutive bases within chr15:25,354,577-25,354,579 gives the same sequence; the c. name uses the placement nearest the transcript's 3' end. VCF-style (leftmost placement, unchanged base first): chr15-25354576-C-CTT. GRCh37 (hg19) VCF-style: chr15-25599723-C-CTT.
Other names: c.2239_2240dup, p.Tyr748fs (NM_000462.5); c.2230_2231dup, p.Tyr745fs (NM_001354505.1, NM_001354538.2); c.2170_2171dup, p.Tyr725fs (NM_001354506.2, NM_001354507.2, NM_001354508.2 and 14 more transcripts); c.2065-152_2065-151dup (NM_001354548.2, NM_001354547.2); c.2125-152_2125-151dup (NM_001354545.2); c.2053_2054dup, p.Tyr686fs (NM_001354546.2); c.2005_2006dup, p.Tyr670fs (NM_001354549.2); c.979_980dup, p.Tyr328fs (NM_001354550.2); and 1 more; short protein forms Y308fs, Y328fs, Y670fs, Y686fs, Y725fs, Y745fs, Y748fs.
Identifiers: ClinVar variation 2500108 (VCV002500108.1), dbSNP rs2552186613, ClinGen allele CA2580089123.